The following is an entry in ClinVar:

ClinVar aggregate classification (germline): Uncertain significance (1 of 4 stars; one submission).

Conditions:
Osteogenesis imperfecta type I (OI1). Also called: OI, TYPE I; OSTEOGENESIS IMPERFECTA TARDA; OSTEOGENESIS IMPERFECTA WITH BLUE SCLERAE; Classic Non-deforming Osteogenesis Imperfecta with Blue Sclerae; Osteogenesis imperfecta type 1; Lobstein disease. Identifiers: Orphanet 216796, Orphanet 666, MedGen C0023931, MONDO:0008146, OMIM 166200. Disease mechanism: loss of function.

Submission:

Labcorp Genetics (formerly Invitae), Labcorp
Classification: Uncertain significance for Osteogenesis imperfecta type I. Last evaluated: 2018-11-24. Review status: criteria provided, single submitter. Criteria: Invitae Variant Classification Sherloc (09022015). Collection method: clinical testing. Allele origin: germline.
Comment: Nucleotide substitutions within the consensus splice site are a relatively common cause of aberrant splicing (PMID: 17576681, 9536098). Algorithms developed to predict the effect of sequence changes on RNA splicing suggest that this variant may disrupt the consensus splice site, but this prediction has not been confirmed by published transcriptional studies. In summary, the available evidence is currently insufficient to determine the role of this variant in disease. Therefore, it has been classified as a Variant of Uncertain Significance. This variant has not been reported in the literature in individuals with COL1A1-related conditions. This variant is not present in population databases (ExAC no frequency). This sequence change falls in intron 2 of the COL1A1 gene. It does not directly change the encoded amino acid sequence of the COL1A1 protein, but it affects a nucleotide within the consensus splice site of the intron.

Literature cited by the submitters: PubMed 17576681; PubMed 9536098.

NM_000088.4(COL1A1):c.299-3T>G

Gene: COL1A1 (collagen type I alpha 1 chain; minus strand). Cytogenetic location: 17q21.33.
Variant type: single nucleotide variant.
Coding change: c.299-3T>G on transcript NM_000088.4 (MANE Select); 3 bases into the intron before coding-DNA position 299, T replaced by G.
Molecular consequence: intron variant.
Genome position (GRCh38, 1-based): chr17:50,199,593, A>C on the plus strand (T>G on the coding strand, the complement: COL1A1 is on the minus strand). VCF-style: chr17-50199593-A-C. GRCh37 (hg19) VCF-style: chr17-48276954-A-C.
Identifiers: ClinVar variation 641387 (VCV000641387.9), dbSNP rs1598301620, ClinGen allele CA915950626.